The following is an entry in ClinVar:

NM_000441.2(SLC26A4):c.1682G>A (p.Gly561Asp)

Gene: SLC26A4 (solute carrier family 26 member 4; plus strand). Cytogenetic location: 7q22.3.
Variant type: single nucleotide variant.
Coding change: c.1682G>A on transcript NM_000441.2 (MANE Select); coding-DNA position 1682, G replaced by A.
Protein change: p.Gly561Asp; replaces glycine 561 with aspartic acid.
Molecular consequence: missense variant.
Genome position (GRCh38, 1-based): chr7:107,700,150, G>A. VCF-style: chr7-107700150-G-A. GRCh37 (hg19) VCF-style: chr7-107340595-G-A.
Other names: short protein forms G561D.
Identifiers: ClinVar variation 5003557 (VCV005003557.1).

ClinVar aggregate classification (germline): Uncertain significance (1 of 4 stars; one submission).

Conditions:
Pendred syndrome (PDS). Also called: THYROID DYSHORMONOGENESIS 2B; THYROID HORMONOGENESIS, GENETIC DEFECT IN, 2B; DEAFNESS WITH GOITER; GOITER-DEAFNESS SYNDROME; Pendred Syndrome (PDS); Pendred's syndrome. Identifiers: Orphanet 705, MedGen C0271829, MONDO:0010134, OMIM 274600.

Submission:

Myriad Genetics, Inc.
Classification: Uncertain significance for Pendred syndrome. Last evaluated: 2025-10-14. Review status: criteria provided, single submitter. Criteria: Myriad Autosomal Dominant, Autosomal Recessive and X-Linked Classification Criteria (2023). Collection method: clinical testing. Allele origin: unknown.
Comment: NM_000441.1(SLC26A4):c.1682G>A(G561D) is a missense variant classified as a variant of uncertain significance in the context of Pendred syndrome. G561D has not been observed in cases with relevant disease. Relevant functional assessments of this variant are not available in the literature. G561D has not been observed in referenced population frequency databases. In summary, there is insufficient evidence to classify NM_000441.1(SLC26A4):c.1682G>A(G561D) as pathogenic or benign. Please note: this variant was assessed in the context of healthy population screening.